The following is an entry in ClinVar:

ClinVar aggregate classification (germline): Pathogenic (1 of 4 stars; one submission).

Conditions:
Coffin-Siris syndrome 1 (CSS1). Also called: Mental retardation, autosomal dominant 12; ARID1B-Related Coffin-Siris Syndrome. Identifiers: Orphanet 1465, MedGen C3281201, MONDO:0007617, OMIM 135900. Disease mechanism: gain of function.

Submission:

Institute of Human Genetics, University of Goettingen
Classification: Pathogenic for Coffin-Siris syndrome 1. Last evaluated: 2022-05-27. Review status: criteria provided, single submitter. Criteria: ACMG Guidelines, 2015. Collection method: clinical testing. Allele origin: de novo. Inheritance: Sporadic. Affected: yes. Observed: 1 heterozygote.
Comment: The variant c.3827del (p.(Glu1276Glyfs*58)) in exon 13 of the ARID1B gene is not found in the gnomAD database and creates a frame shift starting at codon Glu1276. The new reading frame ends in a STOP codon at position 58. ACMG criteria used for classification: PVS1, PM2, PM6.

NM_001374828.1(ARID1B):c.3827del (p.Glu1276fs)

Gene: ARID1B (AT-rich interaction domain 1B; plus strand). Cytogenetic location: 6q25.3.
Variant type: Deletion.
Coding change: c.3827del on transcript NM_001374828.1 (MANE Select); coding-DNA position 3827, one base deleted (A; older notation c.3827delA).
Protein change: p.Glu1276fs; shifts the reading frame from glutamic acid 1276.
Molecular consequence: frameshift variant.
Genome position (GRCh38, 1-based): chr6:157,184,343, A deleted. VCF-style (leftmost placement, unchanged base first): chr6-157184342-GA-G. GRCh37 (hg19) VCF-style: chr6-157505476-GA-G.
Other names: c.1328del, p.Glu443fs (NM_001363725.2); c.3707del, p.Glu1236fs (NM_001371656.1, NM_001374820.1); c.3668del, p.Glu1223fs (NM_017519.3); short protein forms E1223fs, E1236fs, E1276fs, E443fs.
Identifiers: ClinVar variation 1687102 (VCV001687102.2), dbSNP rs2128325440, ClinGen allele CA2573140706.